The following is an entry in ClinVar:

NM_006904.7(PRKDC):c.233T>A (p.Phe78Tyr)

Gene: PRKDC (protein kinase, DNA-activated, catalytic subunit; minus strand). Cytogenetic location: 8q11.21.
Variant type: single nucleotide variant.
Coding change: c.233T>A on transcript NM_006904.7 (MANE Select); coding-DNA position 233, T replaced by A.
Protein change: p.Phe78Tyr; replaces phenylalanine 78 with tyrosine.
Molecular consequence: missense variant.
Genome position (GRCh38, 1-based): chr8:47,957,262, A>T on the plus strand (T>A on the coding strand, the complement: PRKDC is on the minus strand). VCF-style: chr8-47957262-A-T. GRCh37 (hg19) VCF-style: chr8-48869822-A-T.
Other names: c.233T>A, p.Phe78Tyr (NM_001081640.2); short protein forms F78Y.
Identifiers: ClinVar variation 3425410 (VCV003425410.1).

ClinVar aggregate classification (germline): Uncertain significance (1 of 4 stars; one submission).

Submission:

Ambry Genetics
Classification: Uncertain significance. Last evaluated: 2024-11-15. Review status: criteria provided, single submitter. Criteria: Ambry Variant Classification Scheme 2023. Collection method: clinical testing. Allele origin: germline.
Comment: The p.F78Y variant (also known as c.233T>A), located in coding exon 3 of the PRKDC gene, results from a T to A substitution at nucleotide position 233. The phenylalanine at codon 78 is replaced by tyrosine, an amino acid with highly similar properties. This amino acid position is conserved. In addition, the in silico prediction for this alteration is inconclusive. Based on the available evidence, the clinical significance of this variant remains unclear.